The following is an entry in ClinVar:

ClinVar aggregate classification (germline): Benign/Likely benign. Review status: criteria provided, multiple submitters, no conflicts (2 of 4 stars). 3 submissions from 3 submitters: Benign (1); Likely benign (2). Last evaluated 2025-01-08.

Conditions:
Hereditary cancer-predisposing syndrome. Also called: Neoplastic Syndromes, Hereditary; Hereditary neoplastic syndrome; Tumor predisposition; Hereditary Cancer Syndrome. Identifiers: Orphanet 140162, MedGen C0027672, MeSH D009386, MONDO:0015356.
Hereditary nonpolyposis colorectal neoplasms. Identifiers: MedGen C0009405, MeSH D003123.
Lynch syndrome 5 (LYNCH5). Also called: Colorectal cancer, hereditary nonpolyposis, type 5; Hereditary non-polyposis colorectal cancer, type 5. Identifiers: Orphanet 144, MedGen C1833477, MONDO:0013710, OMIM 614350. Disease mechanism: loss of function.

Allele frequency attached by ClinVar (database versions not stated): gnomAD exomes 0.00002.
gnomAD v4.1: 11 of 1,613,796 alleles (0.00068%); highest among the groups gnomAD compares: South Asian, 0.012%; no homozygotes.

Submissions (3):

Myriad Genetics, Inc.
Classification: Benign for Lynch syndrome 5. Last evaluated: 2025-01-08. Review status: criteria provided, single submitter. Criteria: Myriad Autosomal Dominant, Autosomal Recessive and X-Linked Classification Criteria (2023). Collection method: clinical testing. Allele origin: unknown.
Comment: This variant is considered benign. This variant is a silent/synonymous amino acid change and it is not expected to impact splicing.

Ambry Genetics
Classification: Likely benign for Hereditary cancer-predisposing syndrome. Last evaluated: 2021-08-08. Review status: criteria provided, single submitter. Criteria: Ambry Variant Classification Scheme 2023. Collection method: clinical testing. Allele origin: germline.

Labcorp Genetics (formerly Invitae), Labcorp
Classification: Likely benign for Hereditary nonpolyposis colorectal neoplasms. Last evaluated: 2021-06-19. Review status: criteria provided, single submitter. Criteria: Invitae Variant Classification Sherloc (09022015). Collection method: clinical testing. Allele origin: germline.

NM_000179.3(MSH6):c.3933A>G (p.Glu1311=)

Gene: MSH6 (mutS homolog 6; plus strand). Cytogenetic location: 2p16.3.
Variant type: single nucleotide variant.
Coding change: c.3933A>G on transcript NM_000179.3 (MANE Select); coding-DNA position 3933, A replaced by G.
Protein change: p.Glu1311=; no amino-acid change (glutamic acid 1311 retained).
Molecular consequence: synonymous variant.
Genome position (GRCh38, 1-based): chr2:47,806,583, A>G. VCF-style: chr2-47806583-A-G. GRCh37 (hg19) VCF-style: chr2-48033722-A-G.
Other names: c.3543A>G, p.Glu1181= (NM_001281492.2); c.3027A>G, p.Glu1009= (NM_001281493.2, NM_001281494.2).
Identifiers: ClinVar variation 794038 (VCV000794038.14), dbSNP rs143331529, ClinGen allele CA072322.
Genomic context (GRCh38, chr2:47,806,583, plus strand): 5'-GGGAGCTTGTCCTAAAAGCTATGGCTTTAATGCAGCAAGGCTTGCTAATCTCCCAGAGGA[A>G]GTTATTCAAAAGGGACATAGAAAAGCAAGAGAATTTGAGAAGATGAATCAGTCACTACGA-3'
Protein context (NP_000170.1, residues 1301-1321): NAARLANLPE[Glu1311=]VIQKGHRKAR